The following is an entry in ClinVar:

ClinVar aggregate classification (germline): Likely benign (1 of 4 stars; one submission).

Conditions:
Sotos syndrome (SOTOS). Also called: Sotos' syndrome; Distinctive facial appearance, overgrowth in childhood, and learning disabilities or delayed development; CEREBRAL GIGANTISM; CHROMOSOME 5q35 DELETION SYNDROME; SOTOS SYNDROME 1. Identifiers: Orphanet 821, MedGen C0175695, MONDO:0019349, OMIM 117550.

Submission:

Victorian Clinical Genetics Services, Murdoch Childrens Research Institute
Classification: Likely benign for Sotos syndrome. Last evaluated: 2024-10-08. Review status: criteria provided, single submitter. Criteria: ACMG Guidelines, 2015. Collection method: clinical testing. Allele origin: germline. Inheritance: Autosomal dominant inheritance. Affected: no.
Comment: Based on the classification scheme VCGS_Germline_v1.3.4, this variant is classified as Likely Benign. Following criteria are met: 0102 - Loss of function is a known mechanism of disease in this gene and is associated with Sotos syndrome (MIM#117550). (I) 0107 - This gene is associated with autosomal dominant disease. (I) 0201 - Variant is predicted to cause nonsense-mediated decay (NMD) and loss of protein (premature termination codon is located at least 54 nucleotides upstream of the final exon-exon junction). (SP) 0219 - This variant is non-coding in an alternative transcript. It is intronic in multiple other RefSeq transcripts, including NM_172349.5 which has the highest overall expression level in human tissues (GTEx). However, other likely pathogenic/pathogenic variants have been reported in this exon (ClinVar). (I) 0251 - This variant is heterozygous. (I) 0301 - Variant is absent from gnomAD (both v2 and v3). (SP) 0710 - Other NMD-predicted variants within the region that is non-coding in several transcripts have inconclusive previous evidence for pathogenicity. p.(Tyr69*) and p.(Thr263Lysfs*18) have been observed in individuals with NSD1-related symptoms (Invitae internal communication). However, p.(Gly93*) and p.(N83Mfs*4) have been observed in individuals without Sotos Syndrome (PMID: 34559457; 29593781). (I) 0807 - This variant has no previous evidence of pathogenicity. (I) 0905 - No published segregation evidence has been identified for this variant. (I) 1007 - No published functional evidence has been identified for this variant. (I) Legend: (SP) - Supporting pathogenic, (I) - Information, (SB) - Supporting benign

Literature cited by the submitters: PubMed 29593781; PubMed 34559457.

NM_022455.5(NSD1):c.343del (p.Ser115fs)

Gene: NSD1 (nuclear receptor binding SET domain protein 1; plus strand). Cytogenetic location: 5q35.3.
Variant type: Deletion.
Coding change: c.343del on transcript NM_022455.5 (MANE Select); coding-DNA position 343, one base deleted (T; older notation c.343delT).
Protein change: p.Ser115fs; shifts the reading frame from serine 115.
Molecular consequence: frameshift variant. On other transcripts: intron variant (7).
Genome position (GRCh38, 1-based): chr5:177,135,446, T deleted; the last of 2 consecutive T bases (chr5:177,135,445-177,135,446); deleting either gives the same sequence. VCF-style (leftmost placement, unchanged base first): chr5-177135444-CT-C. GRCh37 (hg19) VCF-style: chr5-176562445-CT-C.
Other names: c.343del, p.Ser115fs (NM_001409301.1, NM_001409302.1, NM_001409303.1 and 1 more transcripts); c.-37+246del (NM_001409305.1, NM_001409306.1, NM_001409308.1 and 4 more transcripts); short protein forms S115fs.
Identifiers: ClinVar variation 3376958 (VCV003376958.1).